The following is an entry in ClinVar:

ClinVar aggregate classification (germline): Uncertain significance (1 of 4 stars; one submission).

Conditions:
Idiopathic Pulmonary Fibrosis. Also called: Idiopathic fibrosing alveolitis, chronic form; idiopathic fibrosing alveolitis. Identifiers: Orphanet 2032, MedGen C1800706, MeSH D054990, MONDO:0800504.
Dyskeratosis congenita, autosomal dominant 2. Identifiers: MedGen C3151443, MONDO:0013521, OMIM 613989.

Allele frequency attached by ClinVar (database versions not stated): gnomAD exomes below 0.00001.
gnomAD v4.1: 1 of 1,550,510 alleles (0.000064%); highest among the groups gnomAD compares: Non-Finnish European, 0.000087%; no homozygotes.

Submission:

Labcorp Genetics (formerly Invitae), Labcorp
Classification: Uncertain significance for Dyskeratosis congenita, autosomal dominant 2; Idiopathic Pulmonary Fibrosis. Last evaluated: 2023-12-11. Review status: criteria provided, single submitter. Criteria: Invitae Variant Classification Sherloc (09022015). Collection method: clinical testing. Allele origin: germline.
Comment: This sequence change replaces arginine, which is basic and polar, with tryptophan, which is neutral and slightly polar, at codon 358 of the TERT protein (p.Arg358Trp). This variant is not present in population databases (gnomAD no frequency). This missense change has been observed in individual(s) with aplastic anemia (PMID: 30523342). ClinVar contains an entry for this variant (Variation ID: 2418927). Advanced modeling of protein sequence and biophysical properties (such as structural, functional, and spatial information, amino acid conservation, physicochemical variation, residue mobility, and thermodynamic stability) performed at Invitae indicates that this missense variant is expected to disrupt TERT protein function with a positive predictive value of 95%. In summary, the available evidence is currently insufficient to determine the role of this variant in disease. Therefore, it has been classified as a Variant of Uncertain Significance.

Literature cited by the submitters: PubMed 30523342.

NM_198253.3(TERT):c.1072C>T (p.Arg358Trp)

Gene: TERT (telomerase reverse transcriptase; minus strand). Cytogenetic location: 5p15.33.
Variant type: single nucleotide variant.
Coding change: c.1072C>T on transcript NM_198253.3 (MANE Select); coding-DNA position 1072, C replaced by T.
Protein change: p.Arg358Trp; replaces arginine 358 with tryptophan.
Molecular consequence: missense variant. On other transcripts: non-coding transcript variant (2).
Genome position (GRCh38, 1-based): chr5:1,293,814, G>A on the plus strand (C>T on the coding strand, the complement: TERT is on the minus strand). VCF-style: chr5-1293814-G-A. GRCh37 (hg19) VCF-style: chr5-1293929-G-A.
Other names: c.1072C>T, p.Arg358Trp (NM_001193376.3, NM_003219.1); short protein forms R358W.
Identifiers: ClinVar variation 2418927 (VCV002418927.7), dbSNP rs1044861406, ClinGen allele CA112914748.
Genomic context (GRCh38, chr5:1,293,814, plus strand): 5'-TGCGGGGAGTCCCTGGCATCCAGGGCCTGGAACCCAGAAAGATGGTCTCCACGAGCCTCC[G>A]AGCGCCAGTCAGGCTGGGCCTCAGAGAGCTGAGTAGGAAGGAGGGCCGCAGCTGCTCCTT-3'
Protein context (NP_937983.2, residues 348-368): SSLRPSLTGA[Arg358Trp]RLVETIFLGS